The following is an entry in ClinVar:

ClinVar aggregate classification (germline): Likely benign. Review status: criteria provided, multiple submitters, no conflicts (2 of 4 stars). 2 submissions from 2 submitters: Likely benign (2). Last evaluated 2025-08-22.

Conditions:
GOLGA2-related disorder. Also called: GOLGA2-related condition.

Submissions (2):

PreventionGenetics, part of Exact Sciences
Classification: Likely benign for GOLGA2-related condition. Last evaluated: 2025-08-22. Review status: criteria provided, single submitter. Criteria: ACMG Guidelines, 2015. Collection method: clinical testing. Allele origin: germline.
Comment: This variant is classified as likely benign based on ACMG/AMP sequence variant interpretation guidelines (Richards et al. 2015 PMID: 25741868, with internal and published modifications).

Blueprint Genetics
Classification: Likely benign. Last evaluated: 2024-11-11. Review status: criteria provided, single submitter. Criteria: ACMG Guidelines, 2015. Collection method: clinical testing. Allele origin: germline.

NM_001366244.2(GOLGA2):c.574C>G (p.Gln192Glu)

Gene: GOLGA2 (golgin A2; minus strand). Cytogenetic location: 9q34.11.
Variant type: single nucleotide variant.
Coding change: c.574C>G on transcript NM_001366244.2 (MANE Select); coding-DNA position 574, C replaced by G.
Protein change: p.Gln192Glu; replaces glutamine 192 with glutamic acid.
Molecular consequence: missense variant. On other transcripts: intron variant (9).
Genome position (GRCh38, 1-based): chr9:128,267,262, G>C on the plus strand (C>G on the coding strand, the complement: GOLGA2 is on the minus strand). VCF-style: chr9-128267262-G-C. GRCh37 (hg19) VCF-style: chr9-131029541-G-C.
Other names: c.538C>G (NM_001366244.1); c.574C>G, p.Gln192Glu (NM_001389696.2); c.493C>G, p.Gln165Glu (NM_001389700.2, NM_004486.6); c.388C>G, p.Gln130Glu (NM_001389702.2); c.208-1242C>G (NM_001389705.2); c.208-937C>G (NM_001389704.2); c.480+196C>G (NM_001389703.2, NM_001389701.2); c.561+196C>G (NM_001389699.2, NM_001389697.2, NM_001389698.2 and 1 more transcripts); and 1 more; short protein forms Q130E, Q192E, Q165E.
Identifiers: ClinVar variation 4904746 (VCV004904746.2).